The following is an entry in ClinVar:

NM_003900.5(SQSTM1):c.205+7G>C

Genes: SQSTM1 (sequestosome 1; plus strand), LOC129995449 (ATAC-STARR-seq lymphoblastoid silent region 16749; plus strand). Cytogenetic location: 5q35.3.
Variant type: single nucleotide variant.
Coding change: c.205+7G>C on transcript NM_003900.5 (MANE Select); 7 bases into the intron after coding-DNA position 205, G replaced by C.
Molecular consequence: intron variant.
Genome position (GRCh38, 1-based): chr5:179,821,148, G>C. VCF-style: chr5-179821148-G-C. GRCh37 (hg19) VCF-style: chr5-179248148-G-C.
Other names: c.-47-1810G>C (NM_001142298.2, NM_001142299.2).
Identifiers: ClinVar variation 771810 (VCV000771810.43), dbSNP rs912066047, ClinGen allele CA133095079.
Genomic context (GRCh38, chr5:179,821,148, plus strand): 5'-TGGCCGCCCTGTTCCCCGCGCTGCGGCCTGGCGGCTTCCAGGCGCACTACCGCGGTGAGC[G>C]GGCCGGGGAGCGGCGGGGGCGGTGACGCAGGCCGGACACGGCCTCCTGCCGCGGGGTGGC-3'

ClinVar aggregate classification (germline): Conflicting classifications of pathogenicity. Review status: criteria provided, conflicting classifications (1 of 4 stars). 6 submissions from 6 submitters: Uncertain significance (3); Likely benign (3). Last evaluated 2026-05-01.

Conditions:
Myopathy, distal, with rimmed vacuoles (DMRV). Also called: MULTISYSTEM PROTEINOPATHY 4. Identifiers: MedGen C5399975, MONDO:0014945, OMIM 617158.
Paget disease of bone 2, early-onset (PDB2). Also called: Paget disease of bone 2. Identifiers: MedGen C4085251, MONDO:0011183, OMIM 602080.
Frontotemporal dementia and/or amyotrophic lateral sclerosis 1 (FTDALS1). Also called: Frontotemporal dementia with motor neuron disease 1; C9orf72 Frontotemporal Dementia and/or Amyotrophic Lateral Sclerosis. Identifiers: Orphanet 275872, MedGen C5779877, MONDO:0007105, OMIM 105550.
SQSTM1-related disorder. Also called: SQSTM1-Related Disorders.

Allele frequency attached by ClinVar (database versions not stated): gnomAD 0.00006; TOPMed 0.00009.

Submissions (6):

PreventionGenetics, part of Exact Sciences
Classification: Likely benign for SQSTM1-related condition. Last evaluated: 2026-05-01. Review status: criteria provided, single submitter. Criteria: ACMG Guidelines, 2015. Collection method: clinical testing. Allele origin: germline.
Comment: This variant is classified as likely benign based on ACMG/AMP sequence variant interpretation guidelines (Richards et al. 2015 PMID: 25741868, with internal and published modifications).

Labcorp Genetics (formerly Invitae), Labcorp
Classification: Likely benign for Paget disease of bone 2, early-onset; Frontotemporal dementia and/or amyotrophic lateral sclerosis 1. Last evaluated: 2025-12-26. Review status: criteria provided, single submitter. Criteria: Invitae Variant Classification Sherloc (09022015). Collection method: clinical testing. Allele origin: germline.

CeGaT Center for Human Genetics Tuebingen
Classification: Uncertain significance. Last evaluated: 2024-10-01. Review status: criteria provided, single submitter. Criteria: CeGaT Center For Human Genetics Tuebingen Variant Classification Criteria Version 2. Collection method: clinical testing. Allele origin: germline. Affected: yes. Observed: 2 variant alleles.
Comment: SQSTM1: PM2, BP4

Blueprint Genetics
Classification: Likely benign. Last evaluated: 2024-03-06. Review status: criteria provided, single submitter. Criteria: ACMG Guidelines, 2015. Collection method: clinical testing. Allele origin: germline.

Revvity Omics, Revvity
Classification: Uncertain significance. Last evaluated: 2021-02-02. Review status: criteria provided, single submitter. Criteria: ACMG Guidelines, 2015. Collection method: clinical testing. Allele origin: germline.

Victorian Clinical Genetics Services, Murdoch Childrens Research Institute
Classification: Uncertain significance for Myopathy, distal, with rimmed vacuoles. Last evaluated: 2019-08-28. Review status: criteria provided, single submitter. Criteria: ACMG Guidelines, 2015. Collection method: clinical testing. Allele origin: germline. Affected: yes.
Comment: A heterozygous splice site variant was identified, NM_003900.4(SQSTM1):c.205+7G>C in intron 1 of 7 of the SQSTM1 gene. This substitution may cause aberrant splicing of exon 2 in the SQSTM1 gene, and affect protein function; further testing via RNA studies are required to confirm if splicing is altered. The nucleotide at this position has low conservation (Phylop UCSC). In silico software does not predict the splice site variant to cause aberrant splicing (NetGene2, Fruit fly, Human Splicing Finder). The variant is present in the gnomAD population database at a frequency of 0.0064% (2 heterozygotes, 0 homozygotes). It has not been previously observed in clinical cases. Based on information available at the time of curation, this variant has been classified as a VARIANT of UNCERTAIN SIGNIFICANCE (VUS) with LOW CLINICAL RELEVANCE.